The following is an entry in ClinVar:

ClinVar aggregate classification (germline): Uncertain significance (1 of 4 stars; one submission).

Submission:

GeneDx
Classification: Uncertain significance. Last evaluated: 2025-01-22. Review status: criteria provided, single submitter. Criteria: GeneDx Variant Classification Process June 2021. Collection method: clinical testing. Allele origin: germline. Affected: yes.
Comment: Not observed at significant frequency in large population cohorts (gnomAD); In silico analysis supports that this missense variant has a deleterious effect on protein structure/function; Has not been previously published as pathogenic or benign to our knowledge

NM_032217.5(ANKRD17):c.4138G>A (p.Asp1380Asn)

Gene: ANKRD17 (ankyrin repeat domain 17; minus strand). Cytogenetic location: 4q13.3.
Variant type: single nucleotide variant.
Coding change: c.4138G>A on transcript NM_032217.5 (MANE Select); coding-DNA position 4138, G replaced by A.
Protein change: p.Asp1380Asn; replaces aspartic acid 1380 with asparagine.
Molecular consequence: missense variant.
Genome position (GRCh38, 1-based): chr4:73,118,738, C>T on the plus strand (G>A on the coding strand, the complement: ANKRD17 is on the minus strand). VCF-style: chr4-73118738-C-T. GRCh37 (hg19) VCF-style: chr4-73984455-C-T.
Other names: c.3799G>A, p.Asp1267Asn (NM_001286771.3); c.4135G>A, p.Asp1379Asn (NM_015574.2); c.3385G>A, p.Asp1129Asn (NM_198889.3); short protein forms D1129N, D1267N, D1379N, D1380N.
Identifiers: ClinVar variation 4071711 (VCV004071711.1).